The following is an entry in ClinVar:

ClinVar aggregate classification (germline): Uncertain significance (1 of 4 stars; one submission).

Conditions:
Developmental and epileptic encephalopathy, 2 (DEE2). Also called: INFANTILE SPASM SYNDROME, X-LINKED 2; CDKL5 deficiency disorder. Identifiers: Orphanet 1934, Orphanet 3451, Orphanet 505652, MedGen C4750718, MONDO:0010396, OMIM 300672.
Angelman syndrome-like. Identifiers: MedGen CN128785.

Submission:

Labcorp Genetics (formerly Invitae), Labcorp
Classification: Uncertain significance for Developmental and epileptic encephalopathy, 2; Angelman syndrome-like. Last evaluated: 2024-01-16. Review status: criteria provided, single submitter. Criteria: Invitae Variant Classification Sherloc (09022015). Collection method: clinical testing. Allele origin: germline.
Comment: This sequence change replaces proline, which is neutral and non-polar, with alanine, which is neutral and non-polar, at codon 963 of the CDKL5 protein (p.Pro963Ala). This variant is not present in population databases (gnomAD no frequency). This variant has not been reported in the literature in individuals affected with CDKL5-related conditions. Advanced modeling of protein sequence and biophysical properties (such as structural, functional, and spatial information, amino acid conservation, physicochemical variation, residue mobility, and thermodynamic stability) performed at Invitae indicates that this missense variant is not expected to disrupt CDKL5 protein function with a negative predictive value of 95%. In summary, the available evidence is currently insufficient to determine the role of this variant in disease. Therefore, it has been classified as a Variant of Uncertain Significance.

NC_000023.11:g.18650499C>G

Genes: CDKL5 (cyclin dependent kinase like 5; plus strand), RS1 (retinoschisin 1; minus strand). Cytogenetic location: Xp22.13.
Variant type: single nucleotide variant.
Molecular consequence: intron variant (on NM_000330.4). On other transcripts: missense variant (2).
Genome position: GRCh38 VCF-style: chrX-18650499-C-G. GRCh37 (hg19) VCF-style: chrX-18668619-C-G.
Other names: c.2887C>G, p.Pro963Ala (NM_001037343.2, NM_003159.3); c.185-3167G>C (NM_000330.4); short protein forms P963A.
Identifiers: ClinVar variation 2921875 (VCV002921875.3), dbSNP rs2518930508, ClinGen allele CA412373470.